The following is an entry in ClinVar:

NC_000010.11:g.(?_86875868)_(86876095_?)del

Gene: BMPR1A (bone morphogenetic protein receptor type 1A; plus strand). Cytogenetic location: 10q23.2.
Variant type: Deletion.
Identifiers: ClinVar variation 832863 (VCV000832863.10).

ClinVar aggregate classification (germline): Pathogenic. Review status: criteria provided, single submitter (1 of 4 stars). 2 submissions from 1 submitter: Pathogenic (2). Last evaluated 2022-08-15.

Conditions:
Generalized juvenile polyposis/juvenile polyposis coli. Also called: Juvenile polyposis coli. Identifiers: Orphanet 329971, MedGen C1868081, MONDO:0008276.
Juvenile polyposis syndrome (JPS). Identifiers: Orphanet 2929, MedGen C0345893, MONDO:0017380, OMIM 174900.

Submissions (2):

Labcorp Genetics (formerly Invitae), Labcorp
Classification: Pathogenic for Juvenile polyposis syndrome. Last evaluated: 2022-08-15. Review status: criteria provided, single submitter. Criteria: Invitae Variant Classification Sherloc (09022015). Collection method: clinical testing. Allele origin: germline.
Comment: For these reasons, this variant has been classified as Pathogenic. A similar copy number variant has been observed in individual(s) with colonic polyps (PMID: 26681312). This variant is a gross deletion of the genomic region encompassing exon(s) 3 of the BMPR1A gene, which includes the initiator codon. This deletion extends beyond the assayed region for this gene and therefore may encompass additional genes. It is expected to result in an absent or disrupted protein product. Loss-of-function variants in BMPR1A are known to be pathogenic (PMID: 11536076, 12417513).

Labcorp Genetics (formerly Invitae), Labcorp
Classification: Pathogenic for Juvenile polyposis syndrome. Last evaluated: 2019-05-17. Review status: criteria provided, single submitter. Criteria: Invitae Variant Classification Sherloc (09022015). Collection method: clinical testing. Allele origin: germline.
Comment: This variant is a gross deletion of the genomic region encompassing exon 3 of the BMPR1A gene, which includes the initiator codon. The 5' end of this event is likely confined to intron 2 of the BMPR1A gene. The 3' boundary is likely confined to intron 3 of the BMPR1A gene. This is expected to result in an absent or disrupted protein product. A deletion of exon 3 has been observed in an individual affected with colonic polyps (PMID: 26681312). Loss-of-function variants in BMPR1A are known to be pathogenic (PMID: 11536076, 12417513). For these reasons, this variant has been classified as Pathogenic.

Literature cited by the submitters: PubMed 26681312; PubMed 11536076; PubMed 12417513.